The following is an entry in ClinVar:

ClinVar aggregate classification (germline): Likely pathogenic (1 of 4 stars; one submission).

Conditions:
Primary ciliary dyskinesia 3. Identifiers: Orphanet 244, MedGen C1837618, MONDO:0012085, OMIM 608644.

Submission:

Myriad Genetics, Inc.
Classification: Likely pathogenic for Primary ciliary dyskinesia 3. Last evaluated: 2022-02-02. Review status: criteria provided, single submitter. Criteria: Myriad Women's Health Autosomal Recessive and X-Linked Classification Criteria (2021). Collection method: clinical testing. Allele origin: unknown.
Comment: NM_001369.2(DNAH5):c.9781A>T(K3261*) is expected to be pathogenic in the context of DNAH5-related primary ciliary dyskinesia. This variant is predicted to lead to an abnormal or absent protein product due to the creation of a premature termination codon in DNAH5, a gene where loss-of-function variants are known to be pathogenic. Please note: this variant was assessed in the context of healthy population screening.

NM_001369.3(DNAH5):c.9781A>T (p.Lys3261Ter)

Gene: DNAH5 (dynein axonemal heavy chain 5; minus strand). Cytogenetic location: 5p15.2.
Variant type: single nucleotide variant.
Coding change: c.9781A>T on transcript NM_001369.3 (MANE Select); coding-DNA position 9781, A replaced by T.
Protein change: p.Lys3261Ter; replaces lysine 3261 with a stop codon.
Molecular consequence: nonsense.
Genome position (GRCh38, 1-based): chr5:13,769,076, T>A on the plus strand (A>T on the coding strand, the complement: DNAH5 is on the minus strand). VCF-style: chr5-13769076-T-A. GRCh37 (hg19) VCF-style: chr5-13769185-T-A.
Other names: short protein forms K3261*.
Identifiers: ClinVar variation 1724253 (VCV001724253.2), dbSNP rs146215039, ClinGen allele CA359202067.
Genomic context (GRCh38, chr5:13,769,076, plus strand): 5'-CAGCAATGGCTTTGTCTTTAGAGATGCTGTCCACAATGGCCTGGGCCCTGTCCTTCACCT[T>A]CTGTACCTCAGCCTTGACCTTTTCAGCAGCCTGTGCTTTCATTGTCACTTCTTTTAAGAC-3'